The following is an entry in ClinVar:

NM_000642.3(AGL):c.3400G>A (p.Gly1134Ser)

Gene: AGL (amylo-alpha-1,6-glucosidase and 4-alpha-glucanotransferase; plus strand). Cytogenetic location: 1p21.2.
Variant type: single nucleotide variant.
Coding change: c.3400G>A on transcript NM_000642.3 (MANE Select); coding-DNA position 3400, G replaced by A.
Protein change: p.Gly1134Ser; replaces glycine 1134 with serine.
Molecular consequence: missense variant.
Genome position (GRCh38, 1-based): chr1:99,900,673, G>A. VCF-style: chr1-99900673-G-A. GRCh37 (hg19) VCF-style: chr1-100366229-G-A.
Other names: c.3400G>A, p.Gly1134Ser (NM_000028.3, NM_000643.3, NM_000644.3 and 1 more transcripts); c.3352G>A, p.Gly1118Ser (NM_000646.3); c.3379G>A, p.Gly1127Ser (NM_001425326.1); c.3199G>A, p.Gly1067Ser (NM_001425327.1); c.3196G>A, p.Gly1066Ser (NM_001425328.1); c.3061G>A, p.Gly1021Ser (NM_001425329.1); c.3022G>A, p.Gly1008Ser (NM_001425332.1); c.3400G>A (NM_000642.2); short protein forms G1118S, G1134S, G1008S, G1021S, G1066S, G1067S, G1127S.
Identifiers: ClinVar variation 662367 (VCV000662367.12), dbSNP rs146615251, ClinGen allele CA27539244.
Genomic context (GRCh38, chr1:99,900,673, plus strand): 5'-TCCACTTAATTCTGTTGTTTTAGGAATATTATTTTAGCATTTGCGGGTACCCTGAGGCAT[G>A]GTCTCATTCCTAATCTACTGGGTGAAGGAATTTATGCCAGATACAATTGTCGGGATGCTG-3'
Protein context (NP_000633.2, residues 1124-1144): ILAFAGTLRH[Gly1134Ser]LIPNLLGEGI

ClinVar aggregate classification (germline): Uncertain significance. Review status: criteria provided, multiple submitters, no conflicts (2 of 4 stars). 4 submissions from 4 submitters: Uncertain significance (3). 1 of the submissions does not count toward it. Last evaluated 2024-01-15.

Conditions:
Glycogen storage disease type III (GSD3). Also called: FORBES DISEASE; Cori disease. Identifiers: Orphanet 366, MedGen C0017922, MONDO:0009291, OMIM 232400.

Allele frequency attached by ClinVar (database versions not stated): gnomAD 0.00001 and 0.00009; gnomAD exomes 0.00001 and 0.00002; ESP Exome Variant Server 0.00008; TOPMed 0.00008.
gnomAD v4.1: 30 of 1,613,950 alleles (0.0019%); highest among the groups gnomAD compares: Middle Eastern, 0.016%; no homozygotes.

Submissions (4):

Blueprint Genetics
Classification: Uncertain significance. Last evaluated: 2024-01-15. Review status: criteria provided, single submitter. Criteria: ACMG Guidelines, 2015. Collection method: clinical testing. Allele origin: germline.

GeneDx
Classification: Uncertain significance. Last evaluated: 2023-06-15. Review status: criteria provided, single submitter. Criteria: GeneDx Variant Classification Process June 2021. Collection method: clinical testing. Allele origin: germline. Affected: yes.
Comment: Not observed at significant frequency in large population cohorts (gnomAD); In silico analysis supports that this missense variant has a deleterious effect on protein structure/function; Has not been previously published as pathogenic or benign to our knowledge

Labcorp Genetics (formerly Invitae), Labcorp
Classification: Uncertain significance for Glycogen storage disease type III. Last evaluated: 2022-09-27. Review status: criteria provided, single submitter. Criteria: Invitae Variant Classification Sherloc (09022015). Collection method: clinical testing. Allele origin: germline.
Comment: This sequence change replaces glycine, which is neutral and non-polar, with serine, which is neutral and polar, at codon 1134 of the AGL protein (p.Gly1134Ser). This variant is present in population databases (rs146615251, gnomAD 0.003%). This variant has not been reported in the literature in individuals affected with AGL-related conditions. ClinVar contains an entry for this variant (Variation ID: 662367). Advanced modeling of protein sequence and biophysical properties (such as structural, functional, and spatial information, amino acid conservation, physicochemical variation, residue mobility, and thermodynamic stability) performed at Invitae indicates that this missense variant is expected to disrupt AGL protein function. In summary, the available evidence is currently insufficient to determine the role of this variant in disease. Therefore, it has been classified as a Variant of Uncertain Significance.

Natera, Inc.
Classification: Uncertain significance for Glycogen storage disease type III. Last evaluated: 2020-03-28. Review status: no assertion criteria provided. Collection method: clinical testing. Allele origin: germline. Not counted in ClinVar's aggregate classification.